The following is an entry in ClinVar:

ClinVar aggregate classification (germline): Pathogenic (1 of 4 stars; one submission).

Conditions:
Hereditary cancer-predisposing syndrome. Also called: Hereditary Cancer Syndrome; Neoplastic Syndromes, Hereditary; Tumor predisposition; Hereditary neoplastic syndrome. Identifiers: Orphanet 140162, MedGen C0027672, MeSH D009386, MONDO:0015356.

Submission:

Ambry Genetics
Classification: Pathogenic for Hereditary cancer-predisposing syndrome. Last evaluated: 2021-07-02. Review status: criteria provided, single submitter. Criteria: Ambry Variant Classification Scheme 2023. Collection method: clinical testing. Allele origin: germline.
Comment: The c.5164dupG pathogenic mutation, located in coding exon 23 of the DICER1 gene, results from a duplication of G at nucleotide position 5164, causing a translational frameshift with a predicted alternate stop codon (p.E1722Gfs*43). This variant is considered to be rare based on population cohorts in the Genome Aggregation Database (gnomAD). This alteration is expected to result in loss of function by premature protein truncation or nonsense-mediated mRNA decay. As such, this alteration is interpreted as a disease-causing mutation.

NM_177438.3(DICER1):c.5164dup (p.Glu1722fs)

Gene: DICER1 (dicer 1, ribonuclease III; minus strand). Cytogenetic location: 14q32.13.
Variant type: Duplication.
Coding change: c.5164dup on transcript NM_177438.3 (MANE Select); coding-DNA position 5164, one base duplicated (G; older notation c.5164dupG).
Protein change: p.Glu1722fs; shifts the reading frame from glutamic acid 1722.
Molecular consequence: frameshift variant. On other transcripts: non-coding transcript variant (6).
Genome position (GRCh38, 1-based): chr14:95,094,088, C duplicated on the plus strand (G on the coding strand, the reverse complement: DICER1 is on the minus strand). VCF-style (leftmost placement, unchanged base first): chr14-95094087-T-TC. GRCh37 (hg19) VCF-style: chr14-95560424-T-TC.
Other names: c.5164dup, p.Glu1722fs (NM_001195573.1, NM_001271282.3, NM_001291628.2 and 8 more transcripts); c.5164dup, p.Glu1722Glyfs (NM_001395681.1); c.4882dup, p.Glu1628fs (NM_001395686.1); c.4759dup, p.Glu1587fs (NM_001395687.1, NM_001395688.1, NM_001395689.1 and 1 more transcripts); c.4597dup, p.Glu1533fs (NM_001395691.1); c.3481dup, p.Glu1161fs (NM_001395697.1); c.5164dupG (NM_177438.2); short protein forms E1722fs, E1161fs, E1533fs, E1587fs, E1628fs.
Identifiers: ClinVar variation 1745745 (VCV001745745.2), dbSNP rs2542444831, ClinGen allele CA2580089018.